The following is an entry in ClinVar:

NM_006514.4(SCN10A):c.4479G>C (p.Met1493Ile)

Gene: SCN10A (sodium voltage-gated channel alpha subunit 10; minus strand). Cytogenetic location: 3p22.2.
Variant type: single nucleotide variant.
Coding change: c.4479G>C on transcript NM_006514.4 (MANE Select); coding-DNA position 4479, G replaced by C.
Protein change: p.Met1493Ile; replaces methionine 1493 with isoleucine.
Molecular consequence: missense variant.
Genome position (GRCh38, 1-based): chr3:38,702,017, C>G on the plus strand (G>C on the coding strand, the complement: SCN10A is on the minus strand). VCF-style: chr3-38702017-C-G. GRCh37 (hg19) VCF-style: chr3-38743508-C-G.
Other names: c.4476G>C, p.Met1492Ile (NM_001293306.2); c.4185G>C, p.Met1395Ile (NM_001293307.2); short protein forms M1395I, M1492I, M1493I.
Identifiers: ClinVar variation 4160542 (VCV004160542.1).

ClinVar aggregate classification (germline): Uncertain significance (1 of 4 stars; one submission).

Conditions:
Cardiovascular phenotype. Identifiers: MedGen CN230736.

Submission:

Ambry Genetics
Classification: Uncertain significance for Cardiovascular phenotype. Last evaluated: 2025-06-30. Review status: criteria provided, single submitter. Criteria: Ambry Variant Classification Scheme 2023. Collection method: clinical testing. Allele origin: germline.
Comment: The p.M1493I variant (also known as c.4479G>C), located in coding exon 26 of the SCN10A gene, results from a G to C substitution at nucleotide position 4479. The methionine at codon 1493 is replaced by isoleucine, an amino acid with highly similar properties. This amino acid position is conserved. In addition, this alteration is predicted to be deleterious by in silico analysis. Based on the available evidence, the clinical significance of this variant remains unclear.